The following is an entry in ClinVar:

NM_001127453.2(GSDME):c.782G>A (p.Arg261Gln)

Gene: GSDME (gasdermin E; minus strand). Cytogenetic location: 7p15.3.
Variant type: single nucleotide variant.
Coding change: c.782G>A on transcript NM_001127453.2 (MANE Select); coding-DNA position 782, G replaced by A.
Protein change: p.Arg261Gln; replaces arginine 261 with glutamine.
Molecular consequence: missense variant.
Genome position (GRCh38, 1-based): chr7:24,710,304, C>T on the plus strand (G>A on the coding strand, the complement: GSDME is on the minus strand). VCF-style: chr7-24710304-C-T. GRCh37 (hg19) VCF-style: chr7-24749923-C-T.
Other names: c.290G>A, p.Arg97Gln (NM_001127454.2); c.782G>A, p.Arg261Gln (NM_004403.3); short protein forms R261Q, R97Q.
Identifiers: ClinVar variation 359845 (VCV000359845.10), dbSNP rs550014047, ClinGen allele CA4191565.

ClinVar aggregate classification (germline): Uncertain significance. Review status: criteria provided, multiple submitters, no conflicts (2 of 4 stars). 2 submissions from 2 submitters: Uncertain significance (2). Last evaluated 2024-11-07.

Conditions:
Inborn genetic diseases. Identifiers: MedGen C0950123, MeSH D030342.

Allele frequency attached by ClinVar (database versions not stated): TOPMed 0.00005; gnomAD 0.00006.
gnomAD v4.1: 53 of 1,614,094 alleles (0.0033%); highest among the groups gnomAD compares: South Asian, 0.0044%; no homozygotes.

Submissions (2):

Labcorp Genetics (formerly Invitae), Labcorp
Classification: Uncertain significance. Last evaluated: 2024-11-07. Review status: criteria provided, single submitter. Criteria: Invitae Variant Classification Sherloc (09022015). Collection method: clinical testing. Allele origin: germline.
Comment: This sequence change replaces arginine, which is basic and polar, with glutamine, which is neutral and polar, at codon 261 of the DFNA5 protein (p.Arg261Gln). This variant is present in population databases (rs550014047, gnomAD 0.01%). This variant has not been reported in the literature in individuals affected with DFNA5-related conditions. ClinVar contains an entry for this variant (Variation ID: 359845). An algorithm developed to predict the effect of missense changes on protein structure and function outputs the following: PolyPhen-2: "Benign". The glutamine amino acid residue is found in multiple mammalian species, which suggests that this missense change does not adversely affect protein function. In summary, the available evidence is currently insufficient to determine the role of this variant in disease. Therefore, it has been classified as a Variant of Uncertain Significance.

Ambry Genetics
Classification: Uncertain significance for Inborn genetic diseases. Last evaluated: 2021-10-05. Review status: criteria provided, single submitter. Criteria: Ambry Variant Classification Scheme 2023. Collection method: clinical testing. Allele origin: germline.